The following is an entry in ClinVar:

ClinVar aggregate classification (germline): Uncertain significance. Review status: criteria provided, multiple submitters, no conflicts (2 of 4 stars). 2 submissions from 2 submitters: Uncertain significance (2). Last evaluated 2026-03-02.

Conditions:
Inborn genetic diseases. Identifiers: MedGen C0950123, MeSH D030342.

Allele frequency attached by ClinVar (database versions not stated): gnomAD 0.00001; gnomAD exomes 0.00001 and 0.00002; TOPMed 0.00001.
gnomAD v4.1: 19 of 1,614,018 alleles (0.0012%); highest among the groups gnomAD compares: Non-Finnish European, 0.00025%; no homozygotes.

Submissions (2):

Ambry Genetics
Classification: Uncertain significance for Inborn genetic diseases. Last evaluated: 2026-03-02. Review status: criteria provided, single submitter. Criteria: Ambry Variant Classification Scheme 2023. Collection method: clinical testing. Allele origin: germline.
Comment: The c.986C>T (p.A329V) alteration is located in exon 6 (coding exon 6) of the CYP27B1 gene. This alteration results from a C to T substitution at nucleotide position 986, causing the alanine (A) at amino acid position 329 to be replaced by a valine (V). Based on data from gnomAD, the T allele has an overall frequency of 0.002% (5/251398) total alleles studied. The highest observed frequency was <0.001% (/) of alleles. Based on insufficient or conflicting evidence, the clinical significance of this alteration remains unclear.

Labcorp Genetics (formerly Invitae), Labcorp
Classification: Uncertain significance. Last evaluated: 2021-09-01. Review status: criteria provided, single submitter. Criteria: Invitae Variant Classification Sherloc (09022015). Collection method: clinical testing. Allele origin: germline.
Comment: This sequence change replaces alanine with valine at codon 329 of the CYP27B1 protein (p.Ala329Val). The alanine residue is moderately conserved and there is a small physicochemical difference between alanine and valine. This variant is not present in population databases (ExAC no frequency). This variant has not been reported in the literature in individuals affected with CYP27B1-related conditions. Advanced modeling of protein sequence and biophysical properties (such as structural, functional, and spatial information, amino acid conservation, physicochemical variation, residue mobility, and thermodynamic stability) performed at Invitae indicates that this missense variant is not expected to disrupt CYP27B1 protein function. In summary, the available evidence is currently insufficient to determine the role of this variant in disease. Therefore, it has been classified as a Variant of Uncertain Significance.

NM_000785.4(CYP27B1):c.986C>T (p.Ala329Val)

Gene: CYP27B1 (cytochrome P450 family 27 subfamily B member 1; minus strand). Cytogenetic location: 12q14.1.
Variant type: single nucleotide variant.
Coding change: c.986C>T on transcript NM_000785.4 (MANE Select); coding-DNA position 986, C replaced by T.
Protein change: p.Ala329Val; replaces alanine 329 with valine.
Molecular consequence: missense variant.
Genome position (GRCh38, 1-based): chr12:57,764,528, G>A on the plus strand (C>T on the coding strand, the complement: CYP27B1 is on the minus strand). VCF-style: chr12-57764528-G-A. GRCh37 (hg19) VCF-style: chr12-58158311-G-A.
Other names: c.986C>T (NM_000785.3); short protein forms A329V.
Identifiers: ClinVar variation 1352793 (VCV001352793.6), dbSNP rs1472040668, ClinGen allele CA385504041.